The following is an entry in ClinVar:

NM_000756.4(CRH):c.157_180dup (p.Gln60_Ala61insSerGluGlnProGlnGlnProGln)

Gene: CRH (corticotropin releasing hormone; minus strand). Cytogenetic location: 8q13.1.
Variant type: Duplication.
Coding change: c.157_180dup on transcript NM_000756.4 (MANE Select); coding-DNA positions 157 to 180, 24 bases duplicated (TCCGAGCAGCCCCAGCAGCCGCAG).
Protein change: p.Gln60_Ala61insSerGluGlnProGlnGlnProGln.
Molecular consequence: inframe insertion.
Genome position (GRCh38, 1-based): chr8:66,177,298-66,177,321, CTGCGGCTGCTGGGGCTGCTCGGA duplicated on the plus strand (TCCGAGCAGCCCCAGCAGCCGCAG on the coding strand, the reverse complement: CRH is on the minus strand); duplicating any 24 consecutive bases within chr8:66,177,298-66,177,328 gives the same sequence; the c. name uses the placement nearest the transcript's 3' end. VCF-style (leftmost placement, unchanged base first): chr8-66177297-C-CCTGCGGCTGCTGGGGCTGCTCGGA. GRCh37 (hg19) VCF-style: chr8-67089532-C-CCTGCGGCTGCTGGGGCTGCTCGGA.
Identifiers: ClinVar variation 1775494 (VCV001775494.2), dbSNP rs2536888907, ClinGen allele CA2580078872.

ClinVar aggregate classification (germline): Uncertain significance (1 of 4 stars; one submission).

Submission:

Ambry Genetics
Classification: Uncertain significance. Last evaluated: 2018-05-17. Review status: criteria provided, single submitter. Criteria: Ambry Variant Classification Scheme 2023. Collection method: clinical testing. Allele origin: germline.
Comment: The c.157_180dup24 variant (also known as p.S53_Q60dup), located in coding exon 1 of the CRH gene, results from an in-frame duplication of 24 nucleotides at nucleotide positions 157 to 180. This results in the duplication of 8 extra residues (SEQPQQPQ) between codons 53 and 60. These amino acid positions are poorly conserved in available vertebrate species. Since supporting evidence is limited at this time, the clinical significance of this alteration remains unclear.